The following is an entry in ClinVar:

ClinVar aggregate classification (germline): Uncertain significance (1 of 4 stars; one submission).

Submission:

GeneDx
Classification: Uncertain significance. Last evaluated: 2026-08-25. Review status: criteria provided, single submitter. Criteria: GeneDx Variant Classification Process June 2021. Collection method: clinical testing. Allele origin: germline.
Comment: Not observed at significant frequency in large population cohorts (gnomAD); In silico analysis supports a deleterious effect on splicing; Has not been previously published as pathogenic or benign to our knowledge

NM_002473.6(MYH9):c.1845G>A (p.Val615=)

Gene: MYH9 (myosin heavy chain 9; minus strand). Cytogenetic location: 22q12.3.
Variant type: single nucleotide variant.
Coding change: c.1845G>A on transcript NM_002473.6 (MANE Select); coding-DNA position 1845, G replaced by A.
Protein change: p.Val615=; no amino-acid change (valine 615 retained).
Molecular consequence: synonymous variant.
Genome position (GRCh38, 1-based): chr22:36,306,606, C>T on the plus strand (G>A on the coding strand, the complement: MYH9 is on the minus strand). VCF-style: chr22-36306606-C-T. GRCh37 (hg19) VCF-style: chr22-36702652-C-T.
Identifiers: ClinVar variation 4537964 (VCV004537964.2).
Genomic context (GRCh38, chr22:36,306,606, plus strand): 5'-GGCCCCGGGCAGTGCGGTCTCCGACATGCCGGCCACCTGGTCCAGGCCGATGATGCGGTC[C>T]ACTGTGGAGACCACAGAGAACACGTGAGTGCCCACACAGTTGCAGCTGGGTGGTGGGGGA-3'
Protein context (NP_002464.1, residues 605-625): DKFVSELWKD[Val615=]DRIIGLDQVA